The following is an entry in ClinVar:

ClinVar aggregate classification (germline): Pathogenic (1 of 4 stars; one submission).

Submission:

Labcorp Genetics (formerly Invitae), Labcorp
Classification: Pathogenic. Last evaluated: 2024-03-17. Review status: criteria provided, single submitter. Criteria: Invitae Variant Classification Sherloc (09022015). Collection method: clinical testing. Allele origin: germline.
Comment: This sequence change creates a premature translational stop signal (p.Asn3207Ilefs*6) in the ADGRV1 gene. It is expected to result in an absent or disrupted protein product. Loss-of-function variants in ADGRV1 are known to be pathogenic (PMID: 19357117, 22135276, 22147658, 26226137, 30718709, 31047384, 32467589). This variant is not present in population databases (gnomAD no frequency). This variant has not been reported in the literature in individuals affected with ADGRV1-related conditions. For these reasons, this variant has been classified as Pathogenic.

Literature cited by the submitters: PubMed 19357117; PubMed 22135276; PubMed 22147658; PubMed 26226137; PubMed 30718709; PubMed 31047384; PubMed 32467589.

NM_032119.4(ADGRV1):c.9620del (p.Asn3207fs)

Gene: ADGRV1 (adhesion G protein-coupled receptor V1; plus strand). Cytogenetic location: 5q14.3.
Variant type: Deletion.
Coding change: c.9620del on transcript NM_032119.4 (MANE Select); coding-DNA position 9620, one base deleted (A; older notation c.9620delA).
Protein change: p.Asn3207fs; shifts the reading frame from asparagine 3207.
Molecular consequence: frameshift variant. On other transcripts: non-coding transcript variant (1).
Genome position (GRCh38, 1-based): chr5:90,720,220, A deleted; the last of 4 consecutive A bases (chr5:90,720,217-90,720,220); deleting any one gives the same sequence. VCF-style (leftmost placement, unchanged base first): chr5-90720216-GA-G. GRCh37 (hg19) VCF-style: chr5-90016033-GA-G.
Other names: short protein forms N3207fs.
Identifiers: ClinVar variation 3611967 (VCV003611967.2).